The following is an entry in ClinVar:

NM_000059.4(BRCA2):c.8141A>G (p.Gln2714Arg)

Gene: BRCA2 (BRCA2 DNA repair associated; plus strand). Cytogenetic location: 13q13.1.
Variant type: single nucleotide variant.
Coding change: c.8141A>G on transcript NM_000059.4 (MANE Select); coding-DNA position 8141, A replaced by G.
Protein change: p.Gln2714Arg; replaces glutamine 2714 with arginine.
Molecular consequence: missense variant.
Genome position (GRCh38, 1-based): chr13:32,363,343, A>G. VCF-style: chr13-32363343-A-G. GRCh37 (hg19) VCF-style: chr13-32937480-A-G.
Other names: p.Q2714R:CAA>CGA; short protein forms Q2714R.
Identifiers: ClinVar variation 52512 (VCV000052512.53), dbSNP rs80359059, ClinGen allele CA025470.
Genomic context (GRCh38, chr13:32,363,343, plus strand): 5'-TTTCATTGAGCGCAAATATATCTGAAACTTCTAGCAATAAAACTAGTAGTGCAGATACCC[A>G]AAAAGTGGCCATTATTGAACTTACAGATGGGTGGTATGCTGTTAAGGCCCAGTTAGATCC-3'
Protein context (NP_000050.3, residues 2704-2724): SSNKTSSADT[Gln2714Arg]KVAIIELTDG

ClinVar aggregate classification (germline): Conflicting classifications of pathogenicity. Review status: criteria provided, conflicting classifications (1 of 4 stars). 10 submissions from 10 submitters: Uncertain significance (7); Benign (1). 2 of the submissions do not count toward it. Last evaluated 2025-11-23.

Conditions:
BRCA2-related cancer predisposition. Identifiers: MedGen CN377758, MONDO:0700269.
Hereditary cancer-predisposing syndrome. Also called: Hereditary Cancer Syndrome; Tumor predisposition; Neoplastic Syndromes, Hereditary; Hereditary neoplastic syndrome. Identifiers: Orphanet 140162, MedGen C0027672, MeSH D009386, MONDO:0015356.
Hereditary breast ovarian cancer syndrome. Also called: Breast and ovarian cancer; BRCA1- and BRCA2-Associated Hereditary Breast and Ovarian Cancer; Hereditary breast and ovarian cancer; Hereditary breast and ovarian cancer syndrome (HBOC); Hereditary breast and ovarian cancer syndrome; Hereditary breast and/or ovarian cancer syndrome. Identifiers: Orphanet 145, MedGen C0677776, MeSH D061325, MONDO:0003582. Disease mechanism: loss of function.
Breast-ovarian cancer, familial, susceptibility to, 2 (BROVCA2). Also called: BRCA2 Hereditary Breast and Ovarian Cancer. Identifiers: Orphanet 145, MedGen C2675520, MONDO:0012933, OMIM 612555. Disease mechanism: loss of function.

Allele frequency attached by ClinVar (database versions not stated): gnomAD exomes below 0.00001.
gnomAD v4.1: 2 of 1,614,190 alleles (0.00012%); highest among the groups gnomAD compares: African/African-American, 0.0027%; no homozygotes.

Submissions (10):

Labcorp Genetics (formerly Invitae), Labcorp
Classification: Uncertain significance for Hereditary breast ovarian cancer syndrome. Last evaluated: 2025-11-23. Review status: criteria provided, single submitter. Criteria: Invitae Variant Classification Sherloc (09022015). Collection method: clinical testing. Allele origin: germline.
Comment: This sequence change replaces glutamine, which is neutral and polar, with arginine, which is basic and polar, at codon 2714 of the BRCA2 protein (p.Gln2714Arg). This variant is not present in population databases (gnomAD no frequency). This missense change has been observed in individual(s) with breast and/or ovarian cancer (PMID: 17413421, 31706072). This variant is also known as 8369A>G. ClinVar contains an entry for this variant (Variation ID: 52512). Invitae Evidence Modeling of protein sequence and biophysical properties (such as structural, functional, and spatial information, amino acid conservation, physicochemical variation, residue mobility, and thermodynamic stability) indicates that this missense variant is not expected to disrupt BRCA2 protein function with a negative predictive value of 95%. In summary, the available evidence is currently insufficient to determine the role of this variant in disease. Therefore, it has been classified as a Variant of Uncertain Significance.

GeneDx
Classification: Uncertain significance. Last evaluated: 2025-05-29. Review status: criteria provided, single submitter. Criteria: GeneDx Variant Classification Process June 2021. Collection method: clinical testing. Allele origin: germline. Affected: yes.
Comment: Published functional studies demonstrate no damaging effect: variant classified as functional based on a saturation genome editing (SGE) assay measuring cell survival (PMID: 39779848); In silico analysis suggests that this missense variant does not alter protein structure/function; Not observed at significant frequency in large population cohorts (gnomAD); Also known as 8369A>G; This variant is associated with the following publications: (PMID: 19043619, 17413421, 31131967, 31706072, 12228710, 37335020, 39779848, 31853058)

Ambry Genetics
Classification: Benign for Hereditary cancer-predisposing syndrome. Last evaluated: 2025-05-21. Review status: criteria provided, single submitter. Criteria: Ambry Variant Classification Scheme 2023. Collection method: clinical testing. Allele origin: germline.

Color Diagnostics, LLC DBA Color Health
Classification: Uncertain significance for Hereditary cancer-predisposing syndrome. Last evaluated: 2024-05-22. Review status: criteria provided, single submitter. Criteria: ACMG Guidelines, 2015. Collection method: clinical testing. Allele origin: germline.
Comment: This missense variant replaces glutamine with arginine at codon 2714 of the BRCA2 protein. This variant is also known as 8369A>G in the literature. Computational prediction suggests that this variant may not impact protein structure and function. To our knowledge, functional studies have not been reported for this variant. This variant has been reported in individuals affected with breast or ovarian cancer (PMID: 17413421, 31706072). This variant has not been identified in the general population by the Genome Aggregation Database (gnomAD). The available evidence is insufficient to determine the role of this variant in disease conclusively. Therefore, this variant is classified as a Variant of Uncertain Significance.

Quest Diagnostics Nichols Institute San Juan Capistrano
Classification: Uncertain significance. Last evaluated: 2024-03-21. Review status: criteria provided, single submitter. Criteria: Quest Diagnostics criteria. Collection method: clinical testing. Allele origin: unknown.
Comment: The BRCA2 c.8141A>G (p.Gln2714Arg) variant has been reported in the published literature affected individuals with breast and/or ovarian cancer (PMIDs: 31706072 (2020), 17413421 (2007)). Two separate multifactorial likelihood analyses give conflicting predictions (PMIDs: 31131967 (2019), 19043619 (2008)). Additionally, this variant has been reported to be in a region of the BRCA2 gene that is tolerant to missense sequence changes (PMID: 31911673 (2020)). This variant has not been reported in large, multi-ethnic general populations (Genome Aggregation Database). Analysis of this variant using bioinformatics tools for the prediction of the effect of amino acid changes on protein structure and function yielded predictions that this variant is benign. Based on the available information, we are unable to determine the clinical significance of this variant.

All of Us Research Program, National Institutes of Health
Classification: Uncertain significance for BRCA2-related cancer predisposition. Last evaluated: 2024-03-05. Review status: criteria provided, single submitter. Criteria: ACMG Guidelines, 2015. Collection method: clinical testing. Allele origin: germline. Inheritance: Autosomal dominant inheritance. Observed: 2 variant alleles, 2 heterozygotes.
Comment: This missense variant replaces glutamine with arginine at codon 2714 of the BRCA2 protein. This variant is also known as 8369A>G in the literature. Computational prediction suggests that this variant may not impact protein structure and function (internally defined REVEL score threshold <= 0.5, PMID: 27666373). To our knowledge, functional studies have not been reported for this variant. This variant has been reported in individuals affected with breast or ovarian cancer (PMID: 17413421, 31706072). This variant has not been identified in the general population by the Genome Aggregation Database (gnomAD). The available evidence is insufficient to determine the role of this variant in disease conclusively. Therefore, this variant is classified as a Variant of Uncertain Significance.

This study involves interpretation of variants in research participants for the purpose of population health screening. Participant phenotype was not available at the time of variant classification. Additional details can be found in publication PMID: 35346344, PMCID: PMC8962531

Women's Health and Genetics/Laboratory Corporation of America, LabCorp
Classification: Uncertain significance. Last evaluated: 2024-01-17. Review status: criteria provided, single submitter. Criteria: LabCorp Variant Classification Summary - May 2015. Collection method: clinical testing. Allele origin: germline.
Comment: Variant summary: BRCA2 c.8141A>G (p.Gln2714Arg) results in a conservative amino acid change located in the BRCA2, OB1 (IPR015187) of the encoded protein sequence. Five of five in-silico tools predict a benign effect of the variant on protein function. The variant was absent in 251352 control chromosomes. The available data on variant occurrences in the general population are insufficient to allow any conclusion about variant significance. c.8141A>G has been reported in the literature in individuals affected with Hereditary Breast And Ovarian Cancer Syndrome (Jacobi_2007, Cecener_2019). These reports do not provide unequivocal conclusions about association of the variant with Hereditary Breast And Ovarian Cancer Syndrome. To our knowledge, no experimental evidence demonstrating an impact on protein function has been reported. The following publications have been ascertained in the context of this evaluation (PMID: 19043619, 17413421, 31706072). ClinVar contains an entry for this variant (Variation ID: 52512). Based on the evidence outlined above, the variant was classified as uncertain significance.

CeGaT Center for Human Genetics Tuebingen
Classification: Uncertain significance. Last evaluated: 2023-05-01. Review status: criteria provided, single submitter. Criteria: CeGaT Center For Human Genetics Tuebingen Variant Classification Criteria Version 2. Collection method: clinical testing. Allele origin: germline. Affected: yes. Observed: 1 variant allele.
Comment: BRCA2: PM2, BP4

Counsyl
Classification: Uncertain significance for Breast-ovarian cancer, familial, susceptibility to, 2. Last evaluated: 2017-10-03. Review status: no assertion criteria provided. Collection method: clinical testing. Allele origin: unknown. Not counted in ClinVar's aggregate classification.

Breast Cancer Information Core (BIC) (BRCA2)
Classification: Uncertain significance for Breast-ovarian cancer, familial 2. Last evaluated: 2004-02-20. Review status: no assertion criteria provided. Collection method: clinical testing. Allele origin: germline. Affected: yes. Observed: 1 variant allele. Not counted in ClinVar's aggregate classification.

Literature cited by the submitters: PubMed 17413421 (cited by 7 submitters); PubMed 31706072 (cited by 5 submitters); PubMed 19043619 (cited by 4 submitters); PubMed 37335020 (cited by Quest Diagnostics Nichols Institute San Juan Capistrano); PubMed 30787465 (cited by Quest Diagnostics Nichols Institute San Juan Capistrano); PubMed 31131967 (cited by Quest Diagnostics Nichols Institute San Juan Capistrano); PubMed 31853058 (cited by Quest Diagnostics Nichols Institute San Juan Capistrano); PubMed 31911673 (cited by Quest Diagnostics Nichols Institute San Juan Capistrano).